The following is an entry in ClinVar:

NM_032776.3(JMJD1C):c.97_105del (p.Gly33_Arg35del)

Genes: JMJD1C (jumonji domain containing 1C; minus strand), JMJD1C-AS1 (JMJD1C antisense RNA 1; plus strand). Cytogenetic location: 10q21.3.
Variant type: Deletion.
Coding change: c.97_105del on transcript NM_032776.3 (MANE Select); coding-DNA positions 97 to 105, 9 bases deleted (GGCTGGCGA; older notation c.97_105delGGCTGGCGA).
Protein change: p.Gly33_Arg35del.
Molecular consequence: inframe deletion. On other transcripts: non-coding transcript variant (1), intron variant (2).
Genome position (GRCh38, 1-based): chr10:63,465,558-63,465,566, TCGCCAGCC deleted on the plus strand (GGCTGGCGA on the coding strand, the reverse complement: JMJD1C is on the minus strand). VCF-style (leftmost placement, unchanged base first): chr10-63465557-TTCGCCAGCC-T. GRCh37 (hg19) VCF-style: chr10-65225317-TTCGCCAGCC-T.
Other names: c.97_105del, p.Gly33_Arg35del (NM_001322252.2); c.-384+56172_-384+56180del (NM_001322258.2); c.-379+56172_-379+56180del (NM_001318154.2).
Identifiers: ClinVar variation 2994582 (VCV002994582.4), dbSNP rs1405820119, ClinGen allele CA594256118.
Genomic context (GRCh38, chr10:63,465,557, plus strand): 5'-CCAGGTCCGGATTGCGGCTGTCCCTGTGTGACACGGCTCGGATGACCCCCGCTCGCCAGC[TTCGCCAGCC>T]GCGTCCGCTCTCCCAGCGCTCCGAACGTGCCTCGTCGCCGACCGCCACACACAGGAACCG-3'

ClinVar aggregate classification (germline): Uncertain significance. Review status: criteria provided, multiple submitters, no conflicts (2 of 4 stars). 2 submissions from 2 submitters: Uncertain significance (2). Last evaluated 2025-04-20.

Conditions:
Early Myoclonic Encephalopathy. Identifiers: MedGen C0270855.

Allele frequency attached by ClinVar (database versions not stated): gnomAD exomes below 0.00001; TOPMed below 0.00001; gnomAD 0.00001.

Submissions (2):

Labcorp Genetics (formerly Invitae), Labcorp
Classification: Uncertain significance for Early Myoclonic Encephalopathy. Last evaluated: 2025-04-20. Review status: criteria provided, single submitter. Criteria: Invitae Variant Classification Sherloc (09022015). Collection method: clinical testing. Allele origin: germline.
Comment: This variant, c.97_105del, results in the deletion of 3 amino acid(s) of the JMJD1C protein (p.Gly33_Arg35del), but otherwise preserves the integrity of the reading frame. This variant is present in population databases (no rsID available, gnomAD 0.009%). This variant has not been reported in the literature in individuals affected with JMJD1C-related conditions. ClinVar contains an entry for this variant (Variation ID: 2994582). Experimental studies and prediction algorithms are not available or were not evaluated, and the functional significance of this variant is currently unknown. In summary, the available evidence is currently insufficient to determine the role of this variant in disease. Therefore, it has been classified as a Variant of Uncertain Significance.

Breakthrough Genomics
Classification: Uncertain significance. Review status: criteria provided, single submitter. Criteria: ACMG Guidelines, 2015. Collection method: not provided. Allele origin: germline. Inheritance: Unknown mechanism. Affected: yes.